The following is an entry in ClinVar:

ClinVar aggregate classification (germline): Uncertain significance (1 of 4 stars; one submission).

Conditions:
Myofibrillar myopathy 5. Also called: Filaminopathy (type); FILAMINOPATHY, AUTOSOMAL DOMINANT. Identifiers: Orphanet 171445, MedGen C1836050, MONDO:0012289, OMIM 609524.
Distal myopathy with posterior leg and anterior hand involvement. Also called: WILLIAMS DISTAL MYOPATHY. Identifiers: Orphanet 63273, MedGen C3279722, MONDO:0013550, OMIM 614065.
Hypertrophic cardiomyopathy 26. Also called: Cardiomyopathy, familial hypertrophic, 26. Identifiers: Orphanet 75249, MedGen C4310749, MONDO:0014883, OMIM 617047.

Allele frequency attached by ClinVar (database versions not stated): gnomAD exomes below 0.00001.
gnomAD v4.1: 3 of 1,614,022 alleles (0.00019%); highest among the groups gnomAD compares: Non-Finnish European, 0.00017%; no homozygotes.

Submission:

Labcorp Genetics (formerly Invitae), Labcorp
Classification: Uncertain significance for Distal myopathy with posterior leg and anterior hand involvement; Myofibrillar myopathy 5; Hypertrophic cardiomyopathy 26. Last evaluated: 2024-10-29. Review status: criteria provided, single submitter. Criteria: Invitae Variant Classification Sherloc (09022015). Collection method: clinical testing. Allele origin: germline.
Comment: This sequence change replaces isoleucine, which is neutral and non-polar, with valine, which is neutral and non-polar, at codon 1140 of the FLNC protein (p.Ile1140Val). This variant is not present in population databases (gnomAD no frequency). This variant has not been reported in the literature in individuals affected with FLNC-related conditions. ClinVar contains an entry for this variant (Variation ID: 1479163). Invitae Evidence Modeling of protein sequence and biophysical properties (such as structural, functional, and spatial information, amino acid conservation, physicochemical variation, residue mobility, and thermodynamic stability) has been performed for this missense variant. However, the output from this modeling did not meet the statistical confidence thresholds required to predict the impact of this variant on FLNC protein function. In summary, the available evidence is currently insufficient to determine the role of this variant in disease. Therefore, it has been classified as a Variant of Uncertain Significance.

NM_001458.5(FLNC):c.3418A>G (p.Ile1140Val)

Gene: FLNC (filamin C; plus strand). Cytogenetic location: 7q32.1.
Variant type: single nucleotide variant.
Coding change: c.3418A>G on transcript NM_001458.5 (MANE Select); coding-DNA position 3418, A replaced by G.
Protein change: p.Ile1140Val; replaces isoleucine 1140 with valine.
Molecular consequence: missense variant.
Genome position (GRCh38, 1-based): chr7:128,844,883, A>G. VCF-style: chr7-128844883-A-G. GRCh37 (hg19) VCF-style: chr7-128484937-A-G.
Other names: c.3418A>G, p.Ile1140Val (NM_001127487.2); short protein forms I1140V.
Identifiers: ClinVar variation 1479163 (VCV001479163.8), dbSNP rs2128936425, ClinGen allele CA369196816.
Genomic context (GRCh38, chr7:128,844,883, plus strand): 5'-AGCTACCTGCCCACGGAGCCTGGCGAGTACACCATCAACATCCTGTTTGCTGAGGCCCAC[A>G]TCCCTGGCTCGCCCTTCAAAGCCACCATTCGGCCTGTGTTTGACCCGAGCAAGGTGCGGG-3'
Protein context (NP_001449.3, residues 1130-1150): TINILFAEAH[Ile1140Val]PGSPFKATIR